The following is an entry in ClinVar:

ClinVar aggregate classification (germline): Uncertain significance (1 of 4 stars; one submission).

Conditions:
Stickler syndrome type 1 (STL1). Also called: COL2A1-Related Stickler Syndrome; ARTHROOPHTHALMOPATHY, HEREDITARY PROGRESSIVE; STICKLER SYNDROME, MEMBRANOUS VITREOUS TYPE; STICKLER SYNDROME, VITREOUS TYPE 1. Identifiers: Orphanet 828, Orphanet 90653, MedGen C2020284, MONDO:0007160, OMIM 108300.

Submission:

3billion
Classification: Uncertain significance for Stickler syndrome type 1. Last evaluated: 2025-02-26. Review status: criteria provided, single submitter. Criteria: ACMG Guidelines, 2015. Collection method: clinical testing. Allele origin: germline. Affected: yes.
Comment: The variant is not observed in the gnomAD v4.1.0 dataset. Predicted Consequence/Location: The variant is located in a mutational hot spot and/or well-established functional domain in which established pathogenic variants have been reported (PMID: 26626311). In silico tool predictions suggest damaging effect of the variant on gene or gene product [REVEL: 0.24 (>=0.6, sensitivity 0.68 and specificity 0.92); 3Cnet: 0.68 (> 0.75, sensitivity 0.96 and precision 0.92)]. Therefore, this variant is classified as VUS according to the recommendation of ACMG/AMP guideline.

NM_001844.5(COL2A1):c.3385C>G (p.Leu1129Val)

Gene: COL2A1 (collagen type II alpha 1 chain; minus strand). Cytogenetic location: 12q13.11.
Variant type: single nucleotide variant.
Coding change: c.3385C>G on transcript NM_001844.5 (MANE Select); coding-DNA position 3385, C replaced by G.
Protein change: p.Leu1129Val; replaces leucine 1129 with valine.
Molecular consequence: missense variant.
Genome position (GRCh38, 1-based): chr12:47,976,862, G>C on the plus strand (C>G on the coding strand, the complement: COL2A1 is on the minus strand). VCF-style: chr12-47976862-G-C. GRCh37 (hg19) VCF-style: chr12-48370645-G-C.
Other names: c.3178C>G, p.Leu1060Val (NM_033150.3); short protein forms L1060V, L1129V.
Identifiers: ClinVar variation 4293982 (VCV004293982.1).
Genomic context (GRCh38, chr12:47,976,862, plus strand): 5'-TGACACTCACAGGAGGGCCGGGCAGACCCTGCAGACCAGTGAAGCCACGGTGTCCCTTCA[G>C]GCCTCTCTCGCCAGGCTCTCCAGCCTCTCCTTTGTCACCTCTGGGGCCTTGAGGACCCTG-3'
Protein context (NP_001835.3, residues 1119-1139): GEAGEPGERG[Leu1129Val]KGHRGFTGLQ